The following is an entry in ClinVar:

NM_012401.4(PLXNB2):c.2235C>T (p.Tyr745=)

Gene: PLXNB2 (plexin B2; minus strand). Cytogenetic location: 22q13.33.
Variant type: single nucleotide variant.
Coding change: c.2235C>T on transcript NM_012401.4 (MANE Select); coding-DNA position 2235, C replaced by T.
Protein change: p.Tyr745=; no amino-acid change (tyrosine 745 retained).
Molecular consequence: synonymous variant.
Genome position (GRCh38, 1-based): chr22:50,284,160, G>A on the plus strand (C>T on the coding strand, the complement: PLXNB2 is on the minus strand). VCF-style: chr22-50284160-G-A. GRCh37 (hg19) VCF-style: chr22-50722589-G-A.
Other names: c.2235C>T, p.Tyr745= (NM_001376864.1, NM_001376866.1, NM_001376867.1 and 18 more transcripts); c.2304C>T, p.Tyr768= (NM_001376865.1); c.2142C>T, p.Tyr714= (NM_001376886.1).
Identifiers: ClinVar variation 4821163 (VCV004821163.4).

ClinVar aggregate classification (germline): Likely benign (1 of 4 stars; one submission).

gnomAD v4.1: 140 of 1,609,974 alleles (0.0087%); highest among the groups gnomAD compares: African/African-American, 0.027%; 1 homozygote.

Submission:

CeGaT Center for Human Genetics Tuebingen
Classification: Likely benign. Last evaluated: 2026-09-01. Review status: criteria provided, single submitter. Criteria: CeGaT Center For Human Genetics Tuebingen Variant Classification Criteria Version 2. Collection method: clinical testing. Allele origin: germline. Affected: yes. Observed: 2 variant alleles.
Comment: PLXNB2: BP4, BP7